The following is an entry in ClinVar:

NM_000548.5(TSC2):c.1481C>G (p.Ser494Cys)

Gene: TSC2 (TSC complex subunit 2; plus strand). Cytogenetic location: 16p13.3.
Variant type: single nucleotide variant.
Coding change: c.1481C>G on transcript NM_000548.5 (MANE Select); coding-DNA position 1481, C replaced by G.
Protein change: p.Ser494Cys; replaces serine 494 with cysteine.
Molecular consequence: missense variant. On other transcripts: 5 prime UTR variant (1), non-coding transcript variant (5).
Genome position (GRCh38, 1-based): chr16:2,064,309, C>G. VCF-style: chr16-2064309-C-G. GRCh37 (hg19) VCF-style: chr16-2114310-C-G.
Other names: c.1481C>G, p.Ser494Cys (NM_001077183.3, NM_001114382.3, NM_001363528.2 and 6 more transcripts); c.1370C>G, p.Ser457Cys (NM_001318827.2, NM_001406670.1, NM_001406678.1); c.1334C>G, p.Ser445Cys (NM_001318829.2, NM_001406675.1, NM_001406676.1 and 1 more transcripts); c.881C>G, p.Ser294Cys (NM_001318831.2, NM_001406680.1, NM_001406682.1 and 6 more transcripts); c.1514C>G, p.Ser505Cys (NM_001318832.2); c.1019C>G, p.Ser340Cys (NM_001406681.1); c.137C>G, p.Ser46Cys (NM_001406689.1, NM_001406690.1, NM_001406691.1 and 6 more transcripts); c.-122C>G (NM_001406698.1); and 3 more; short protein forms S294C, S340C, S445C, S457C, S46C, S475C, S490C, S494C.
Identifiers: ClinVar variation 4802851 (VCV004802851.1).

ClinVar aggregate classification (germline): Uncertain significance (1 of 4 stars; one submission).

Conditions:
Tuberous sclerosis 2 (TSC2). Identifiers: Orphanet 805, MedGen C1860707, MONDO:0013199, OMIM 613254.

Submission:

Labcorp Genetics (formerly Invitae), Labcorp
Classification: Uncertain significance for Tuberous sclerosis 2. Last evaluated: 2025-07-06. Review status: criteria provided, single submitter. Criteria: Invitae Variant Classification Sherloc (09022015). Collection method: clinical testing. Allele origin: germline.
Comment: This sequence change replaces serine, which is neutral and polar, with cysteine, which is neutral and slightly polar, at codon 494 of the TSC2 protein (p.Ser494Cys). This variant is not present in population databases (gnomAD no frequency). This variant has not been reported in the literature in individuals affected with TSC2-related conditions. Invitae Evidence Modeling of protein sequence and biophysical properties (such as structural, functional, and spatial information, amino acid conservation, physicochemical variation, residue mobility, and thermodynamic stability) indicates that this missense variant is not expected to disrupt TSC2 protein function with a negative predictive value of 95%. In summary, the available evidence is currently insufficient to determine the role of this variant in disease. Therefore, it has been classified as a Variant of Uncertain Significance.